The following is an entry in ClinVar:

ClinVar aggregate classification (germline): Pathogenic (1 of 4 stars; one submission).

Submission:

Labcorp Genetics (formerly Invitae), Labcorp
Classification: Pathogenic. Last evaluated: 2023-01-13. Review status: criteria provided, single submitter. Criteria: Invitae Variant Classification Sherloc (09022015). Collection method: clinical testing. Allele origin: germline.
Comment: This variant is not present in population databases (gnomAD no frequency). This sequence change creates a premature translational stop signal (p.Lys461Argfs*5) in the ABCA4 gene. It is expected to result in an absent or disrupted protein product. Loss-of-function variants in ABCA4 are known to be pathogenic (PMID: 10958761, 24938718, 25312043, 26780318). This variant has not been reported in the literature in individuals affected with ABCA4-related conditions. For these reasons, this variant has been classified as Pathogenic.

Literature cited by the submitters: PubMed 10958761; PubMed 24938718; PubMed 25312043; PubMed 26780318.

NM_000350.3(ABCA4):c.1382_1383del (p.Lys461fs)

Gene: ABCA4 (ATP binding cassette subfamily A member 4; minus strand). Cytogenetic location: 1p22.1.
Variant type: Deletion.
Coding change: c.1382_1383del on transcript NM_000350.3 (MANE Select); coding-DNA positions 1382 to 1383, 2 bases deleted (AA; older notation c.1382_1383delAA).
Protein change: p.Lys461fs; shifts the reading frame from lysine 461.
Molecular consequence: frameshift variant.
Genome position (GRCh38, 1-based): chr1:94,077,861-94,077,862, TT deleted on the plus strand (AA on the coding strand, the reverse complement: ABCA4 is on the minus strand); deleting any 2 consecutive bases within chr1:94,077,861-94,077,864 gives the same sequence; the c. name uses the placement nearest the transcript's 3' end. VCF-style (leftmost placement, unchanged base first): chr1-94077860-CTT-C. GRCh37 (hg19) VCF-style: chr1-94543416-CTT-C.
Other names: c.1380_1381delAA, p.Lys461Argfs (NM_001425324.1); short protein forms K461fs.
Identifiers: ClinVar variation 2907288 (VCV002907288.3), dbSNP rs2523891438, ClinGen allele CA2586967029.
Genomic context (GRCh38, chr1:94,077,860, plus strand): 5'-GGAAGTTTAGGATGGCTTCAGCAGTAATACCTTCTTCACCAAGCTGCCTATTCAAAAAGT[CTT>C]TTACTGTTGGGTTCCCCAGGGTATCCTTGGGAAGAAGAAATACAGTCACTGCTCTGCTTA-3'